The following is an entry in ClinVar:

NM_032119.4(ADGRV1):c.15601G>A (p.Val5201Met)

Gene: ADGRV1 (adhesion G protein-coupled receptor V1; plus strand). Cytogenetic location: 5q14.3.
Variant type: single nucleotide variant.
Coding change: c.15601G>A on transcript NM_032119.4 (MANE Select); coding-DNA position 15601, G replaced by A.
Protein change: p.Val5201Met; replaces valine 5201 with methionine.
Molecular consequence: missense variant. On other transcripts: non-coding transcript variant (1).
Genome position (GRCh38, 1-based): chr5:90,810,861, G>A. VCF-style: chr5-90810861-G-A. GRCh37 (hg19) VCF-style: chr5-90106678-G-A.
Other names: short protein forms V5201M.
Identifiers: ClinVar variation 2087815 (VCV002087815.3), dbSNP rs1762375075, ClinGen allele CA360410195.

ClinVar aggregate classification (germline): Uncertain significance (1 of 4 stars; one submission).

Allele frequency attached by ClinVar (database versions not stated): gnomAD exomes below 0.00001.
gnomAD v4.1: 1 of 1,614,026 alleles (0.000062%); highest among the groups gnomAD compares: Middle Eastern, 0.016%; no homozygotes.

Submission:

Labcorp Genetics (formerly Invitae), Labcorp
Classification: Uncertain significance. Last evaluated: 2024-02-24. Review status: criteria provided, single submitter. Criteria: Invitae Variant Classification Sherloc (09022015). Collection method: clinical testing. Allele origin: germline.
Comment: This sequence change replaces valine, which is neutral and non-polar, with methionine, which is neutral and non-polar, at codon 5201 of the ADGRV1 protein (p.Val5201Met). This variant is not present in population databases (gnomAD no frequency). This variant has not been reported in the literature in individuals affected with ADGRV1-related conditions. ClinVar contains an entry for this variant (Variation ID: 2087815). Algorithms developed to predict the effect of missense changes on protein structure and function output the following: SIFT: "Not Available"; PolyPhen-2: "Benign"; Align-GVGD: "Not Available". The methionine amino acid residue is found in multiple mammalian species, which suggests that this missense change does not adversely affect protein function. In summary, the available evidence is currently insufficient to determine the role of this variant in disease. Therefore, it has been classified as a Variant of Uncertain Significance.